The following is an entry in ClinVar:

ClinVar aggregate classification (germline): Uncertain significance (1 of 4 stars; one submission).

Allele frequency attached by ClinVar (database versions not stated): gnomAD 0.00005; gnomAD exomes 0.00003; TOPMed 0.00002; ExAC 0.00003.
gnomAD v4.1: 21 of 1,575,398 alleles (0.0013%); highest among the groups gnomAD compares: African/African-American, 0.011%; no homozygotes.

Submission:

Labcorp Genetics (formerly Invitae), Labcorp
Classification: Uncertain significance. Last evaluated: 2022-05-06. Review status: criteria provided, single submitter. Criteria: Invitae Variant Classification Sherloc (09022015). Collection method: clinical testing. Allele origin: germline.
Comment: In summary, the available evidence is currently insufficient to determine the role of this variant in disease. Therefore, it has been classified as a Variant of Uncertain Significance. Algorithms developed to predict the effect of missense changes on protein structure and function are either unavailable or do not agree on the potential impact of this missense change (SIFT: "Deleterious"; PolyPhen-2: "Probably Damaging"; Align-GVGD: "Class C0"). This variant has not been reported in the literature in individuals affected with ESPN-related conditions. The frequency data for this variant in the population databases is considered unreliable, as metrics indicate poor data quality at this position in the gnomAD database. This sequence change replaces arginine, which is basic and polar, with cysteine, which is neutral and slightly polar, at codon 760 of the ESPN protein (p.Arg760Cys).

NM_031475.3(ESPN):c.2278C>T (p.Arg760Cys)

Gene: ESPN (espin; plus strand). Cytogenetic location: 1p36.31.
Variant type: single nucleotide variant.
Coding change: c.2278C>T on transcript NM_031475.3 (MANE Select); coding-DNA position 2278, C replaced by T.
Protein change: p.Arg760Cys; replaces arginine 760 with cysteine.
Molecular consequence: missense variant.
Genome position (GRCh38, 1-based): chr1:6,452,049, C>T. VCF-style: chr1-6452049-C-T. GRCh37 (hg19) VCF-style: chr1-6512109-C-T.
Other names: c.2188C>T, p.Arg730Cys (NM_001367473.1); c.2215C>T, p.Arg739Cys (NM_001367474.1); short protein forms R739C, R730C, R760C.
Identifiers: ClinVar variation 1373084 (VCV001373084.4), dbSNP rs150708975, ClinGen allele CA560443.
Genomic context (GRCh38, chr1:6,452,049, plus strand): 5'-ATCCCCACGCACGATGAGCAGGGCCGGCCCATCCCCGAGTGGAAGCGCCAGGTGATGGTG[C>T]GCAAGATGCAGCTGAAGATGCAGGAGGAGGAGGAGCAGAGGCGGAAGGTGGGTGGGGCGG-3'
Protein context (NP_113663.2, residues 750-770): IPEWKRQVMV[Arg760Cys]KMQLKMQEEE